The following is an entry in ClinVar:

NM_001287.6(CLCN7):c.822+5G>A

Gene: CLCN7 (chloride voltage-gated channel 7; minus strand). Cytogenetic location: 16p13.3.
Variant type: single nucleotide variant.
Coding change: c.822+5G>A on transcript NM_001287.6 (MANE Select); 5 bases into the intron after coding-DNA position 822, G replaced by A.
Molecular consequence: intron variant.
Genome position (GRCh38, 1-based): chr16:1,457,249, C>T on the plus strand (G>A on the coding strand, the complement: CLCN7 is on the minus strand). VCF-style: chr16-1457249-C-T. GRCh37 (hg19) VCF-style: chr16-1507250-C-T.
Other names: c.750+5G>A (NM_001114331.3).
Identifiers: ClinVar variation 1400499 (VCV001400499.6), dbSNP rs2142381805, ClinGen allele CA2573151728.
Genomic context (GRCh38, chr16:1,457,249, plus strand): 5'-CCTGAGTGGTGCCCGTGCCCGTGCCCATGGCATCTGGAGCCCACCCACACAAGATTTCAA[C>T]TCACCTTGAAATCTCGTTTCAGTGACGTTGACCTTCCCTGAGAGATCCCGGCGGCAATCA-3'

ClinVar aggregate classification (germline): Uncertain significance (1 of 4 stars; one submission).

Submission:

Labcorp Genetics (formerly Invitae), Labcorp
Classification: Uncertain significance. Last evaluated: 2021-01-17. Review status: criteria provided, single submitter. Criteria: Invitae Variant Classification Sherloc (09022015). Collection method: clinical testing. Allele origin: germline.
Comment: In summary, the available evidence is currently insufficient to determine the role of this variant in disease. Therefore, it has been classified as a Variant of Uncertain Significance. Nucleotide substitutions within the consensus splice site are a relatively common cause of aberrant splicing (PMID: 17576681, 9536098). Algorithms developed to predict the effect of sequence changes on RNA splicing suggest that this variant may disrupt the consensus splice site, but this prediction has not been confirmed by published transcriptional studies. This variant has not been reported in the literature in individuals with CLCN7-related conditions. This variant is not present in population databases (ExAC no frequency). This sequence change falls in intron 9 of the CLCN7 gene. It does not directly change the encoded amino acid sequence of the CLCN7 protein. It affects a nucleotide within the consensus splice site of the intron.

Literature cited by the submitters: PubMed 17576681; PubMed 9536098.